The following is an entry in ClinVar:

ClinVar aggregate classification (germline): Uncertain significance (1 of 4 stars; one submission).

Conditions:
Inborn genetic diseases. Identifiers: MedGen C0950123, MeSH D030342.

gnomAD v4.1: 10 of 1,612,700 alleles (0.00062%); highest among the groups gnomAD compares: South Asian, 0.0099%; no homozygotes.

Submission:

Ambry Genetics
Classification: Uncertain significance for Inborn genetic diseases. Last evaluated: 2024-12-12. Review status: criteria provided, single submitter. Criteria: Ambry Variant Classification Scheme 2023. Collection method: clinical testing. Allele origin: germline.
Comment: The p.M277L variant (also known as c.829A>T), located in coding exon 7 of the PAX5 gene, results from an A to T substitution at nucleotide position 829. The methionine at codon 277 is replaced by leucine, an amino acid with highly similar properties. This amino acid position is conserved. In addition, this alteration is predicted to be deleterious by in silico analysis. Based on the available evidence, the clinical significance of this variant remains unclear.

NM_016734.3(PAX5):c.829A>T (p.Met277Leu)

Gene: PAX5 (paired box 5; minus strand). Cytogenetic location: 9p13.2.
Variant type: single nucleotide variant.
Coding change: c.829A>T on transcript NM_016734.3 (MANE Select); coding-DNA position 829, A replaced by T.
Protein change: p.Met277Leu; replaces methionine 277 with leucine.
Molecular consequence: missense variant. On other transcripts: intron variant (2).
Genome position (GRCh38, 1-based): chr9:36,923,436, T>A on the plus strand (A>T on the coding strand, the complement: PAX5 is on the minus strand). VCF-style: chr9-36923436-T-A. GRCh37 (hg19) VCF-style: chr9-36923433-T-A.
Other names: c.829A>T, p.Met277Leu (NM_001280547.2, NM_001280548.2, NM_001280552.2); c.505A>T, p.Met169Leu (NM_001280551.2, NM_001280556.2); c.700A>T, p.Met234Leu (NM_001280553.2, NM_001280554.2); c.631A>T, p.Met211Leu (NM_001280555.2); c.780+43113A>T (NM_001280550.2, NM_001280549.2); short protein forms M169L, M277L, M234L, M211L.
Identifiers: ClinVar variation 2542167 (VCV002542167.3), dbSNP rs758672654, ClinGen allele CA5058167.